The following is an entry in ClinVar:

ClinVar aggregate classification (germline): Uncertain significance. Review status: criteria provided, multiple submitters, no conflicts (2 of 4 stars). 2 submissions from 2 submitters: Uncertain significance (2). Last evaluated 2025-10-09.

Allele frequency attached by ClinVar (database versions not stated): ExAC 0.00002; gnomAD 0.00002; gnomAD exomes 0.00002; TOPMed 0.00002.
gnomAD v4.1: 27 of 1,613,344 alleles (0.0017%); highest among the groups gnomAD compares: Non-Finnish European, 0.0021%; no homozygotes.

Submissions (2):

Women's Health and Genetics/Laboratory Corporation of America, LabCorp
Classification: Uncertain significance. Last evaluated: 2025-10-09. Review status: criteria provided, single submitter. Criteria: LabCorp Variant Classification Summary - May 2015. Collection method: clinical testing. Allele origin: germline.
Comment: Variant summary: PEPD c.200A>G (p.Gln67Arg) results in a conservative amino acid change in the encoded protein sequence. Algorithms developed to predict the effect of missense changes on protein structure and function are either unavailable or do not agree on the potential impact of this missense change. Several computational tools predict a significant impact on normal splicing: Three predict the variant weakens a canonical 5' donor site. However, these predictions have yet to be confirmed by functional studies. The variant allele was found at a frequency of 2e-05 in 247646 control chromosomes. c.200A>G has been observed in individual(s) affected with Prolidase Deficiency (example: Ido_2023). These data indicate that the variant may be associated with disease. To our knowledge, no experimental evidence demonstrating an impact on protein function has been reported. The following publication has been ascertained in the context of this evaluation (PMID: 36757671). ClinVar contains an entry for this variant (Variation ID: 1430846). Based on the evidence outlined above, the variant was classified as VUS-possibly pathogenic.

Labcorp Genetics (formerly Invitae), Labcorp
Classification: Uncertain significance. Last evaluated: 2022-06-13. Review status: criteria provided, single submitter. Criteria: Invitae Variant Classification Sherloc (09022015). Collection method: clinical testing. Allele origin: germline.
Comment: This sequence change replaces glutamine, which is neutral and polar, with arginine, which is basic and polar, at codon 67 of the PEPD protein (p.Gln67Arg). This variant is present in population databases (rs780093052, gnomAD 0.003%). This variant has not been reported in the literature in individuals affected with PEPD-related conditions. Algorithms developed to predict the effect of missense changes on protein structure and function (SIFT, PolyPhen-2, Align-GVGD) all suggest that this variant is likely to be disruptive. Algorithms developed to predict the effect of sequence changes on RNA splicing suggest that this variant may create or strengthen a splice site. In summary, the available evidence is currently insufficient to determine the role of this variant in disease. Therefore, it has been classified as a Variant of Uncertain Significance.

Literature cited by the submitters: PubMed 36757671 (cited by Women's Health and Genetics/Laboratory Corporation of America, LabCorp).

NM_000285.4(PEPD):c.200A>G (p.Gln67Arg)

Gene: PEPD (peptidase D; minus strand). Cytogenetic location: 19q13.11.
Variant type: single nucleotide variant.
Coding change: c.200A>G on transcript NM_000285.4 (MANE Select); coding-DNA position 200, A replaced by G.
Protein change: p.Gln67Arg; replaces glutamine 67 with arginine.
Molecular consequence: missense variant.
Genome position (GRCh38, 1-based): chr19:33,512,594, T>C on the plus strand (A>G on the coding strand, the complement: PEPD is on the minus strand). VCF-style: chr19-33512594-T-C. GRCh37 (hg19) VCF-style: chr19-34003500-T-C.
Other names: c.200A>G, p.Gln67Arg (NM_001166056.2, NM_001166057.2); short protein forms Q67R.
Identifiers: ClinVar variation 1430846 (VCV001430846.4), dbSNP rs780093052, ClinGen allele CA9364468.
Genomic context (GRCh38, chr19:33,512,594, plus strand): 5'-GCTCAGGACAGCAGCACCATCACACACCTGCTCACTTGTGGCCAAGCGGGGAGGCTCACC[T>C]GGCGGAAGAGGACCCCGGTGTCGGTGCAGTAGCGCTGAGTCTCCTCCCCGCCCTGCAGGA-3'
Protein context (NP_000276.2, residues 57-77): YCTDTGVLFR[Gln67Arg]ESFFHWAFGV